The following is an entry in ClinVar:

NM_001267550.2(TTN):c.17611A>G (p.Ile5871Val)

Genes: TTN (titin; minus strand), LOC126806431 (CDK7 strongly-dependent group 2 enhancer GRCh37_chr2:179595719-179596918; plus strand). Cytogenetic location: 2q31.2.
Variant type: single nucleotide variant.
Coding change: c.17611A>G on transcript NM_001267550.2 (MANE Select); coding-DNA position 17611, A replaced by G.
Protein change: p.Ile5871Val; replaces isoleucine 5871 with valine.
Molecular consequence: missense variant. On other transcripts: intron variant (3).
Genome position (GRCh38, 1-based): chr2:178,731,054, T>C on the plus strand (A>G on the coding strand, the complement: TTN is on the minus strand). VCF-style: chr2-178731054-T-C. GRCh37 (hg19) VCF-style: chr2-179595781-T-C.
Other names: c.16660A>G, p.Ile5554Val (NM_001256850.1); c.13879A>G, p.Ile4627Val (NM_133378.4); c.13282+7028A>G (NM_003319.4); c.13858+7028A>G (NM_133437.4); c.13657+7028A>G (NM_133432.3); short protein forms I4627V, I5554V, I5871V.
Identifiers: ClinVar variation 4853314 (VCV004853314.1).

ClinVar aggregate classification (germline): Uncertain significance (1 of 4 stars; one submission).

gnomAD v4.1: 5 of 1,613,584 alleles (0.00031%); highest among the groups gnomAD compares: African/African-American, 0.004%; no homozygotes.

Submission:

Women's Health and Genetics/Laboratory Corporation of America, LabCorp
Classification: Uncertain significance. Last evaluated: 2026-05-11. Review status: criteria provided, single submitter. Criteria: LabCorp Variant Classification Summary - May 2015. Collection method: clinical testing. Allele origin: germline.
Comment: Variant summary: TTN c.13879A>G (p.Ile4627Val) results in a conservative amino acid change in the encoded protein sequence. Algorithms developed to predict the effect of missense changes on protein structure and function are either unavailable or do not agree on the potential impact of this missense change. The variant was absent in 249012 control chromosomes. The available data on variant occurrences in the general population are insufficient to allow any conclusion about variant significance. To our knowledge, no occurrence of c.13879A>G in individuals affected with TTN-related conditions and no experimental evidence demonstrating its impact on protein function have been reported. No submitters have cited clinical-significance assessments for this variant to ClinVar. Based on the evidence outlined above, the variant was classified as uncertain significance.